The following is an entry in ClinVar:

NM_000238.4(KCNH2):c.1280A>G (p.Tyr427Cys)

Gene: KCNH2 (potassium voltage-gated channel subfamily H member 2; minus strand). Cytogenetic location: 7q36.1.
Variant type: single nucleotide variant.
Coding change: c.1280A>G on transcript NM_000238.4 (MANE Select); coding-DNA position 1280, A replaced by G.
Protein change: p.Tyr427Cys; replaces tyrosine 427 with cysteine.
Molecular consequence: missense variant.
Genome position (GRCh38, 1-based): chr7:150,952,702, T>C on the plus strand (A>G on the coding strand, the complement: KCNH2 is on the minus strand). VCF-style: chr7-150952702-T-C. GRCh37 (hg19) VCF-style: chr7-150649790-T-C.
Other names: c.1280A>G (LRG_288t1); c.992A>G, p.Tyr331Cys (NM_001406753.1, NM_001406756.1); c.1103A>G, p.Tyr368Cys (NM_001406755.1); c.980A>G, p.Tyr327Cys (NM_001406757.1); c.1280A>G, p.Tyr427Cys (NM_172056.3); c.260A>G, p.Tyr87Cys (NM_172057.3, NM_001204798.2); short protein forms Y427C, Y87C, Y327C, Y331C, Y368C.
Identifiers: ClinVar variation 67179 (VCV000067179.7), dbSNP rs199472897, ClinGen allele CA004393.

ClinVar aggregate classification (germline): Conflicting classifications of pathogenicity. Review status: criteria provided, conflicting classifications (1 of 4 stars). 4 submissions from 4 submitters: Pathogenic (1); Likely pathogenic (1); Uncertain significance (1). 1 of the submissions does not count toward it. Last evaluated 2025-03-12.

Conditions:
Cardiovascular phenotype. Identifiers: MedGen CN230736.
Familial long QT syndrome (RWS). Also called: Congenital long QT syndrome; Romano-Ward syndrome; VENTRICULAR FIBRILLATION WITH PROLONGED QT INTERVAL. Identifiers: Orphanet 768, MedGen C1141890, MONDO:0019171.
Long QT syndrome (LQTS). Identifiers: MedGen C0023976, MeSH D008133, MONDO:0002442. Disease mechanism: loss of function. Inheritance: Various modes of inheritance.
Long QT syndrome 1 (LQT1). Identifiers: Orphanet 101016, Orphanet 768, MedGen C4551647, MONDO:0100316, OMIM 192500, MONDO:0008646.

Submissions (4):

Labcorp Genetics (formerly Invitae), Labcorp
Classification: Uncertain significance for Long QT syndrome. Last evaluated: 2025-03-12. Review status: criteria provided, single submitter. Criteria: Invitae Variant Classification Sherloc (09022015). Collection method: clinical testing. Allele origin: germline.
Comment: This sequence change replaces tyrosine, which is neutral and polar, with cysteine, which is neutral and slightly polar, at codon 427 of the KCNH2 protein (p.Tyr427Cys). This variant is not present in population databases (gnomAD no frequency). This missense change has been observed in individual(s) with long QT syndrome or clinical features of this condition (PMID: 19716085, 27920829, 36861347). ClinVar contains an entry for this variant (Variation ID: 67179). An algorithm developed to predict the effect of missense changes on protein structure and function (PolyPhen-2) suggests that this variant is likely to be disruptive. In summary, the available evidence is currently insufficient to determine the role of this variant in disease. Therefore, it has been classified as a Variant of Uncertain Significance.

Molecular Diagnostic Laboratory for Inherited Cardiovascular Disease, Montreal Heart Institute
Classification: Pathogenic for Cardiovascular phenotype. Last evaluated: 2023-09-20. Review status: criteria provided, single submitter. Criteria: ACMG Guidelines, 2015. Collection method: clinical testing. Allele origin: germline. Affected: yes.

Agnes Ginges Centre for Molecular Cardiology, Centenary Institute
Classification: Likely pathogenic for Long QT syndrome 1. Last evaluated: 2017-03-16. Review status: criteria provided, single submitter. Criteria: Agnes Ginges Centre for Molecular Cardiology criteria (2015). Collection method: research. Allele origin: germline. Inheritance: Autosomal dominant inheritance. Affected: yes.
Comment: The KCNH2 Tyr427Cys variant is located in the Transmembrane/ S1 domain. It has been reported in 2 long QT probands and was absent from 1300 controls (Itoh H, et al., 2016; Kapplinger, et al., 2009). The variant is absent in the 1000 genomes project, as well as the Exome Aggregation Consortium dataset. Interestingly, different rare variants at this position (Tyr427Ser and Tyr427His) have also been reported in long QT individuals, suggesting that an amino acid substitution at this site may not be tolerated. Computational tools SIFT, MutationTaster, and PolyPhen-2 predict this variant to have a deleterious effect. The variant was discussed at our multidisciplinary pathogenicity meeting and it was agreed based on the above evidence that it should be considered as "likely pathogenic".

Cardiovascular Biomedical Research Unit, Royal Brompton & Harefield NHS Foundation Trust
No classification provided. Condition: Familial long QT syndrome. Review status: no classification provided. Collection method: literature only. Allele origin: germline. Not counted in ClinVar's aggregate classification.
Comment: This variant has been reported as associated with Long QT syndrome in the following publications (PMID:19716085). This is a literature report, and does not necessarily reflect the clinical interpretation of the Imperial College / Royal Brompton Cardiovascular Genetics laboratory.

Literature cited by the submitters: PubMed 19716085 (cited by 3 submitters); PubMed 27920829 (cited by Labcorp Genetics (formerly Invitae), Labcorp and Agnes Ginges Centre for Molecular Cardiology, Centenary Institute); PubMed 36861347 (cited by Labcorp Genetics (formerly Invitae), Labcorp); PubMed 26669661 (cited by Agnes Ginges Centre for Molecular Cardiology, Centenary Institute); PubMed 22581653 (cited by Cardiovascular Biomedical Research Unit, Royal Brompton & Harefield NHS Foundation Trust).